The following is an entry in ClinVar:

ClinVar aggregate classification (germline): Uncertain significance (1 of 4 stars; one submission).

Conditions:
RFX6-related disorder. Also called: RFX6-related condition.

gnomAD v4.1: 1 of 1,612,834 alleles (0.000062%); highest among the groups gnomAD compares: Non-Finnish European, 0.000085%; no homozygotes.

Submission:

PreventionGenetics, part of Exact Sciences
Classification: Uncertain significance for RFX6-related condition. Last evaluated: 2022-10-20. Review status: criteria provided, single submitter. Criteria: ACMG Guidelines, 2015. Collection method: clinical testing. Allele origin: germline.
Comment: The RFX6 c.73C>G variant is predicted to result in the amino acid substitution p.Gln25Glu. To our knowledge, this variant has not been reported in the literature or in a large population database, indicating this variant is rare. At this time, the clinical significance of this variant is uncertain due to the absence of conclusive functional and genetic evidence.

NM_173560.4(RFX6):c.73C>G (p.Gln25Glu)

Genes: RFX6 (regulatory factor X6; plus strand), LOC127407129 (RFX6 promoter region; plus strand). Cytogenetic location: 6q22.1.
Variant type: single nucleotide variant.
Coding change: c.73C>G on transcript NM_173560.4 (MANE Select); coding-DNA position 73, C replaced by G.
Protein change: p.Gln25Glu; replaces glutamine 25 with glutamic acid.
Molecular consequence: missense variant.
Genome position (GRCh38, 1-based): chr6:116,877,348, C>G. VCF-style: chr6-116877348-C-G. GRCh37 (hg19) VCF-style: chr6-117198511-C-G.
Other names: short protein forms Q25E.
Identifiers: ClinVar variation 2637223 (VCV002637223.1), dbSNP rs1475490476, ClinGen allele CA365425174.